The following is an entry in ClinVar:

NM_000059.4(BRCA2):c.3132T>G (p.Cys1044Trp)

Gene: BRCA2 (BRCA2 DNA repair associated; plus strand). Cytogenetic location: 13q13.1.
Variant type: single nucleotide variant.
Coding change: c.3132T>G on transcript NM_000059.4 (MANE Select); coding-DNA position 3132, T replaced by G.
Protein change: p.Cys1044Trp; replaces cysteine 1044 with tryptophan.
Molecular consequence: missense variant.
Genome position (GRCh38, 1-based): chr13:32,337,487, T>G. VCF-style: chr13-32337487-T-G. GRCh37 (hg19) VCF-style: chr13-32911624-T-G.
Other names: short protein forms C1044W.
Identifiers: ClinVar variation 51402 (VCV000051402.4), dbSNP rs80358558, ClinGen allele CA017279.

ClinVar aggregate classification (germline): Likely benign. Review status: criteria provided, single submitter (1 of 4 stars). 2 submissions from 2 submitters: Likely benign (1). 1 of the submissions does not count toward it. Last evaluated 2023-03-23.

Conditions:
Hereditary cancer-predisposing syndrome. Also called: Neoplastic Syndromes, Hereditary; Tumor predisposition; Hereditary Cancer Syndrome; Hereditary neoplastic syndrome. Identifiers: Orphanet 140162, MedGen C0027672, MeSH D009386, MONDO:0015356.
Breast-ovarian cancer, familial, susceptibility to, 2 (BROVCA2). Also called: BRCA2 Hereditary Breast and Ovarian Cancer. Identifiers: Orphanet 145, MedGen C2675520, MONDO:0012933, OMIM 612555. Disease mechanism: loss of function.

Submissions (2):

University of Washington Department of Laboratory Medicine, University of Washington
Classification: Likely benign for Hereditary cancer-predisposing syndrome. Last evaluated: 2023-03-23. Review status: criteria provided, single submitter. Criteria: Dines et al. (Genet Med. 2020). Collection method: curation. Allele origin: germline.
Comment: Missense variant in a coldspot region where missense variants are very unlikely to be pathogenic (PMID:31911673).

BRCA2 exon 11 coldspot. Reclassification based on statistical prior probability.

Breast Cancer Information Core (BIC) (BRCA2)
Classification: Uncertain significance for Breast-ovarian cancer, familial 2. Review status: no assertion criteria provided. Collection method: clinical testing. Allele origin: germline. Affected: yes. Observed: 2 variant alleles. Not counted in ClinVar's aggregate classification.